The following is an entry in ClinVar:

NM_001430.5(EPAS1):c.1654T>G (p.Leu552Val)

Gene: EPAS1 (endothelial PAS domain protein 1; plus strand). Cytogenetic location: 2p21.
Variant type: single nucleotide variant.
Coding change: c.1654T>G on transcript NM_001430.5 (MANE Select); coding-DNA position 1654, T replaced by G.
Protein change: p.Leu552Val; replaces leucine 552 with valine.
Molecular consequence: missense variant.
Genome position (GRCh38, 1-based): chr2:46,380,326, T>G. VCF-style: chr2-46380326-T-G. GRCh37 (hg19) VCF-style: chr2-46607465-T-G.
Other names: short protein forms L552V.
Identifiers: ClinVar variation 3221562 (VCV003221562.1), dbSNP rs1429678070, ClinGen allele CA346704596.

ClinVar aggregate classification (germline): Uncertain significance (1 of 4 stars; one submission).

Conditions:
Inborn genetic diseases. Identifiers: MedGen C0950123, MeSH D030342.

gnomAD v4.1: 1 of 1,614,142 alleles (0.000062%); highest among the groups gnomAD compares: Non-Finnish European, 0.000085%; no homozygotes.

Submission:

Ambry Genetics
Classification: Uncertain significance for Inborn genetic diseases. Last evaluated: 2024-03-06. Review status: criteria provided, single submitter. Criteria: Ambry Variant Classification Scheme 2023. Collection method: clinical testing. Allele origin: germline.
Comment: The p.L552V variant (also known as c.1654T>G), located in coding exon 12 of the EPAS1 gene, results from a T to G substitution at nucleotide position 1654. The leucine at codon 552 is replaced by valine, an amino acid with highly similar properties. This amino acid position is conserved. In addition, this alteration is predicted to be tolerated by in silico analysis. Based on the available evidence, the clinical significance of this alteration remains unclear.